The following is an entry in ClinVar:

ClinVar aggregate classification (germline): Likely benign. Review status: criteria provided, multiple submitters, no conflicts (2 of 4 stars). 6 submissions from 6 submitters: Likely benign (6). Last evaluated 2025-11-05.

Conditions:
Hereditary cancer-predisposing syndrome. Also called: Hereditary neoplastic syndrome; Neoplastic Syndromes, Hereditary; Tumor predisposition; Hereditary Cancer Syndrome. Identifiers: Orphanet 140162, MedGen C0027672, MeSH D009386, MONDO:0015356.
Hereditary breast ovarian cancer syndrome. Also called: Hereditary breast and ovarian cancer syndrome (HBOC); Breast and ovarian cancer; Hereditary breast and ovarian cancer syndrome; Hereditary breast and ovarian cancer; Hereditary breast and/or ovarian cancer syndrome; BRCA1- and BRCA2-Associated Hereditary Breast and Ovarian Cancer. Identifiers: Orphanet 145, MedGen C0677776, MeSH D061325, MONDO:0003582. Disease mechanism: loss of function.
Breast-ovarian cancer, familial, susceptibility to, 2 (BROVCA2). Also called: BRCA2 Hereditary Breast and Ovarian Cancer. Identifiers: Orphanet 145, MedGen C2675520, MONDO:0012933, OMIM 612555. Disease mechanism: loss of function.

gnomAD v4.1: 5 of 1,608,322 alleles (0.00031%); highest among the groups gnomAD compares: African/African-American, 0.0067%; no homozygotes.

Submissions (6):

Labcorp Genetics (formerly Invitae), Labcorp
Classification: Likely benign for Hereditary breast ovarian cancer syndrome. Last evaluated: 2025-11-05. Review status: criteria provided, single submitter. Criteria: Invitae Variant Classification Sherloc (09022015). Collection method: clinical testing. Allele origin: germline.

All of Us Research Program, National Institutes of Health
Classification: Likely benign for Breast-ovarian cancer, familial, susceptibility to, 2. Last evaluated: 2023-12-18. Review status: criteria provided, single submitter. Criteria: ACMG Guidelines, 2015. Collection method: clinical testing. Allele origin: germline. Inheritance: Autosomal dominant inheritance. Observed: 2 variant alleles, 2 heterozygotes.
Comment: This study involves interpretation of variants in research participants for the purpose of population health screening. Participant phenotype was not available at the time of variant classification. Additional details can be found in publication PMID: 35346344, PMCID: PMC8962531

Women's Health and Genetics/Laboratory Corporation of America, LabCorp
Classification: Likely benign. Last evaluated: 2022-08-11. Review status: criteria provided, single submitter. Criteria: LabCorp Variant Classification Summary - May 2015. Collection method: clinical testing. Allele origin: germline.

GeneDx
Classification: Likely benign. Last evaluated: 2020-06-08. Review status: criteria provided, single submitter. Criteria: GeneDx Variant Classification Process June 2021. Collection method: clinical testing. Allele origin: germline. Affected: yes.

Color Diagnostics, LLC DBA Color Health
Classification: Likely benign for Hereditary cancer-predisposing syndrome. Last evaluated: 2019-08-27. Review status: criteria provided, single submitter. Criteria: ACMG Guidelines, 2015. Collection method: clinical testing. Allele origin: germline.

Ambry Genetics
Classification: Likely benign for Hereditary cancer-predisposing syndrome. Last evaluated: 2017-07-27. Review status: criteria provided, single submitter. Criteria: Ambry Variant Classification Scheme 2023. Collection method: clinical testing. Allele origin: germline.

NM_000059.4(BRCA2):c.3765A>G (p.Val1255=)

Gene: BRCA2 (BRCA2 DNA repair associated; plus strand). Cytogenetic location: 13q13.1.
Variant type: single nucleotide variant.
Coding change: c.3765A>G on transcript NM_000059.4 (MANE Select); coding-DNA position 3765, A replaced by G.
Protein change: p.Val1255=; no amino-acid change (valine 1255 retained).
Molecular consequence: synonymous variant.
Genome position (GRCh38, 1-based): chr13:32,338,120, A>G. VCF-style: chr13-32338120-A-G. GRCh37 (hg19) VCF-style: chr13-32912257-A-G.
Identifiers: ClinVar variation 481494 (VCV000481494.22), dbSNP rs41293483, ClinGen allele CA247505836.